The following is an entry in ClinVar:

ClinVar aggregate classification (germline): Uncertain significance (1 of 4 stars; one submission).

Conditions:
Short-rib thoracic dysplasia 14 with polydactyly (SRTD14). Identifiers: Orphanet 397715, MedGen C4225286, MONDO:0014688, OMIM 616546.
Joubert syndrome 23 (JBTS23). Identifiers: Orphanet 475, MedGen C4084822, MONDO:0014664, OMIM 616490.

Submission:

Labcorp Genetics (formerly Invitae), Labcorp
Classification: Uncertain significance for Joubert syndrome 23; Short-rib thoracic dysplasia 14 with polydactyly. Last evaluated: 2022-07-05. Review status: criteria provided, single submitter. Criteria: Invitae Variant Classification Sherloc (09022015). Collection method: clinical testing. Allele origin: germline.
Comment: Algorithms developed to predict the effect of missense changes on protein structure and function are either unavailable or do not agree on the potential impact of this missense change (SIFT: "Deleterious"; PolyPhen-2: "Probably Damaging"; Align-GVGD: "Class C0"). In summary, the available evidence is currently insufficient to determine the role of this variant in disease. Therefore, it has been classified as a Variant of Uncertain Significance. Algorithms developed to predict the effect of sequence changes on RNA splicing suggest that this variant may disrupt the consensus splice site. ClinVar contains an entry for this variant (Variation ID: 1372240). This variant has not been reported in the literature in individuals affected with KIAA0586-related conditions. This variant is not present in population databases (gnomAD no frequency). This sequence change replaces arginine, which is basic and polar, with isoleucine, which is neutral and non-polar, at codon 1003 of the KIAA0586 protein (p.Arg1003Ile).

NM_001329943.3(KIAA0586):c.2849G>T (p.Arg950Ile)

Gene: KIAA0586 (KIAA0586; plus strand). Cytogenetic location: 14q23.1.
Variant type: single nucleotide variant.
Coding change: c.2849G>T on transcript NM_001329943.3 (MANE Select); coding-DNA position 2849, G replaced by T.
Protein change: p.Arg950Ile; replaces arginine 950 with isoleucine.
Molecular consequence: missense variant.
Genome position (GRCh38, 1-based): chr14:58,477,146, G>T. VCF-style: chr14-58477146-G-T. GRCh37 (hg19) VCF-style: chr14-58943864-G-T.
Other names: c.3008G>T, p.Arg1003Ile (NM_001244189.2); c.2804G>T, p.Arg935Ile (NM_001244190.2); c.2594G>T, p.Arg865Ile (NM_001244191.2, NM_001329945.2, NM_001364700.1 and 1 more transcripts); c.2717G>T, p.Arg906Ile (NM_001244192.2); c.2429G>T, p.Arg810Ile (NM_001244193.2); c.2849G>T, p.Arg950Ile (NM_001329944.2, NM_001329946.2, NM_001329947.2); c.2621G>T, p.Arg874Ile (NM_014749.5); short protein forms R810I, R865I, R1003I, R874I, R906I, R935I, R950I.
Identifiers: ClinVar variation 1372240 (VCV001372240.6), dbSNP rs2141053576, ClinGen allele CA389878779.